The following is an entry in ClinVar:

NM_015141.4(GPD1L):c.704T>C (p.Met235Thr)

Gene: GPD1L (glycerol-3-phosphate dehydrogenase 1 like; plus strand). Cytogenetic location: 3p22.3.
Variant type: single nucleotide variant.
Coding change: c.704T>C on transcript NM_015141.4 (MANE Select); coding-DNA position 704, T replaced by C.
Protein change: p.Met235Thr; replaces methionine 235 with threonine.
Molecular consequence: missense variant.
Genome position (GRCh38, 1-based): chr3:32,158,961, T>C. VCF-style: chr3-32158961-T-C. GRCh37 (hg19) VCF-style: chr3-32200453-T-C.
Other names: short protein forms M235T.
Identifiers: ClinVar variation 4707614 (VCV004707614.1).

ClinVar aggregate classification (germline): Uncertain significance (1 of 4 stars; one submission).

Conditions:
Brugada syndrome. Also called: Sudden unexpected nocturnal death syndrome; Sudden Unexplained Death Syndrome; Sudden Unexplained Nocturnal Death Syndrome (SUNDS); Sudden unexplained nocturnal death syndrome. Identifiers: Orphanet 130, MedGen C1142166, MONDO:0015263.

gnomAD v4.1: 2 of 1,614,102 alleles (0.00012%); highest among the groups gnomAD compares: South Asian, 0.0011%; no homozygotes.

Submission:

Labcorp Genetics (formerly Invitae), Labcorp
Classification: Uncertain significance for Brugada syndrome. Last evaluated: 2025-02-12. Review status: criteria provided, single submitter. Criteria: Invitae Variant Classification Sherloc (09022015). Collection method: clinical testing. Allele origin: germline.
Comment: This sequence change replaces methionine, which is neutral and non-polar, with threonine, which is neutral and polar, at codon 235 of the GPD1L protein (p.Met235Thr). This variant is not present in population databases (gnomAD no frequency). This variant has not been reported in the literature in individuals affected with GPD1L-related conditions. Invitae Evidence Modeling of protein sequence and biophysical properties (such as structural, functional, and spatial information, amino acid conservation, physicochemical variation, residue mobility, and thermodynamic stability) indicates that this missense variant is not expected to disrupt GPD1L protein function with a negative predictive value of 80%. In summary, the available evidence is currently insufficient to determine the role of this variant in disease. Therefore, it has been classified as a Variant of Uncertain Significance.